The following is an entry in ClinVar:

ClinVar aggregate classification (germline): Uncertain significance. Review status: criteria provided, multiple submitters, no conflicts (2 of 4 stars). 5 submissions from 5 submitters: Uncertain significance (4). 1 of the submissions does not count toward it. Last evaluated 2026-06-22.

Conditions:
Polyglandular autoimmune syndrome, type 1 (APS1). Also called: HYPOADRENOCORTICISM WITH HYPOPARATHYROIDISM AND SUPERFICIAL MONILIASIS; AUTOIMMUNE POLYENDOCRINE SYNDROME, TYPE I, WITH OR WITHOUT REVERSIBLE METAPHYSEAL DYSPLASIA; PGA I; Whitaker syndrome; APS I; Autoimmune polyendocrine syndrome type 1. Identifiers: Orphanet 3453, MedGen C0085859, MONDO:0009411, OMIM 240300.
AIRE-related disorder. Also called: AIRE-related condition.

Allele frequency attached by ClinVar (database versions not stated): ExAC 0.00003; gnomAD exomes 0.00003; ESP Exome Variant Server 0.00008; TOPMed 0.00010; gnomAD 0.00015 and 0.00016.

Submissions (5):

PreventionGenetics, part of Exact Sciences
Classification: Uncertain significance for AIRE-related condition. Last evaluated: 2026-06-22. Review status: criteria provided, single submitter. Criteria: ACMG Guidelines, 2015. Collection method: clinical testing. Allele origin: germline.
Comment: The AIRE c.748A>T variant is predicted to result in the amino acid substitution p.Ser250Cys. This variant was reported in at least one individual with autoimmunity and immunodeficiency (Bellacchio et al. 2014. PubMed ID: 25068407; Fierabracci et al. 2022. PubMed ID: 35683627). This variant is reported in 0.041% of alleles in individuals of African descent in gnomAD. At this time, the clinical significance of this variant is uncertain due to the absence of conclusive functional and genetic evidence.

Women's Health and Genetics/Laboratory Corporation of America, LabCorp
Classification: Uncertain significance. Last evaluated: 2026-04-29. Review status: criteria provided, single submitter. Criteria: LabCorp Variant Classification Summary - May 2015. Collection method: clinical testing. Allele origin: germline.
Comment: Variant summary: AIRE c.748A>T (p.Ser250Cys) results in a non-conservative amino acid change in the encoded protein sequence. Algorithms developed to predict the effect of missense changes on protein structure and function are either unavailable or do not agree on the potential impact of this missense change. The variant allele was found at a frequency of 2.8e-05 in 248126 control chromosomes. The available data on variant occurrences in the general population are insufficient to allow any conclusion about variant significance. c.748A>T has been observed in individuals with Autoimmune Polyendocrinopathy-Candidiasis-Ectodermal Dystrophy (APECED)-like disease and/or autoimmunity and immunodeficiency (example: Bellacchio_2014, Fierabracci_2022). These reports do not provide unequivocal conclusions about association of the variant with Autoimmune Polyglandular Syndrome Type 1. To our knowledge, no experimental evidence demonstrating an impact on protein function has been reported. The following publications have been ascertained in the context of this evaluation (PMID: 25068407, 35683627). ClinVar contains an entry for this variant (Variation ID: 967483). Based on the evidence outlined above, the variant was classified as uncertain significance.

Labcorp Genetics (formerly Invitae), Labcorp
Classification: Uncertain significance for Polyglandular autoimmune syndrome, type 1. Last evaluated: 2025-05-30. Review status: criteria provided, single submitter. Criteria: Invitae Variant Classification Sherloc (09022015). Collection method: clinical testing. Allele origin: germline.
Comment: This sequence change replaces serine, which is neutral and polar, with cysteine, which is neutral and slightly polar, at codon 250 of the AIRE protein (p.Ser250Cys). This variant is present in population databases (rs141480813, gnomAD 0.05%). This missense change has been observed in individual(s) with APECED-like disease and/or autoimmunity and immunodeficiency (PMID: 25068407, 35683627). ClinVar contains an entry for this variant (Variation ID: 967483). Invitae Evidence Modeling of protein sequence and biophysical properties (such as structural, functional, and spatial information, amino acid conservation, physicochemical variation, residue mobility, and thermodynamic stability) indicates that this missense variant is not expected to disrupt AIRE protein function with a negative predictive value of 95%. In summary, the available evidence is currently insufficient to determine the role of this variant in disease. Therefore, it has been classified as a Variant of Uncertain Significance.

Fulgent Genetics
Classification: Uncertain significance for Polyglandular autoimmune syndrome, type 1. Last evaluated: 2021-08-03. Review status: criteria provided, single submitter. Criteria: ACMG Guidelines, 2015. Collection method: clinical testing. Allele origin: unknown.

Natera, Inc.
Classification: Uncertain significance for Polyglandular autoimmune syndrome type 1. Last evaluated: 2020-03-17. Review status: no assertion criteria provided. Collection method: clinical testing. Allele origin: germline. Not counted in ClinVar's aggregate classification.

Literature cited by the submitters: PubMed 25068407 (cited by Women's Health and Genetics/Laboratory Corporation of America, LabCorp and Labcorp Genetics (formerly Invitae), Labcorp); PubMed 35683627 (cited by Women's Health and Genetics/Laboratory Corporation of America, LabCorp and Labcorp Genetics (formerly Invitae), Labcorp).

NM_000383.4(AIRE):c.748A>T (p.Ser250Cys)

Gene: AIRE (autoimmune regulator; plus strand). Cytogenetic location: 21q22.3.
Variant type: single nucleotide variant.
Coding change: c.748A>T on transcript NM_000383.4 (MANE Select); coding-DNA position 748, A replaced by T.
Protein change: p.Ser250Cys; replaces serine 250 with cysteine.
Molecular consequence: missense variant.
Genome position (GRCh38, 1-based): chr21:44,289,752, A>T. VCF-style: chr21-44289752-A-T. GRCh37 (hg19) VCF-style: chr21-45709635-A-T.
Other names: short protein forms S250C.
Identifiers: ClinVar variation 967483 (VCV000967483.14), dbSNP rs141480813, ClinGen allele CA10051696.